The following is an entry in ClinVar:

NM_001349253.2(SCN11A):c.2815C>T (p.Gln939Ter)

Gene: SCN11A (sodium voltage-gated channel alpha subunit 11; minus strand). Cytogenetic location: 3p22.2.
Variant type: single nucleotide variant.
Coding change: c.2815C>T on transcript NM_001349253.2 (MANE Select); coding-DNA position 2815, C replaced by T.
Protein change: p.Gln939Ter; replaces glutamine 939 with a stop codon.
Molecular consequence: nonsense.
Genome position (GRCh38, 1-based): chr3:38,894,553, G>A on the plus strand (C>T on the coding strand, the complement: SCN11A is on the minus strand). VCF-style: chr3-38894553-G-A. GRCh37 (hg19) VCF-style: chr3-38936044-G-A.
Other names: c.2815C>T, p.Gln939Ter (NM_014139.3); short protein forms Q939*.
Identifiers: ClinVar variation 3750743 (VCV003750743.2).
Genomic context (GRCh38, chr3:38,894,553, plus strand): 5'-GCTTTGTATGACCTTTAAGTCTATGTGTGAACCTTCATACCTGTTGTTCAGGCTCAGGTT[G>A]TGTGATGCGCTGTGCATTATCTTCACCAGAAAATTCAACGTCATCTTCCTCCTCCGCAAG-3'

ClinVar aggregate classification (germline): Uncertain significance (1 of 4 stars; one submission).

Conditions:
Hereditary sensory and autonomic neuropathy type 7. Also called: HSAN VII; Neuropathy, hereditary sensory and autonomic, type VII. Identifiers: Orphanet 391397, MedGen C3809882, MONDO:0014244, OMIM 615548.
Familial episodic pain syndrome with predominantly lower limb involvement. Also called: Episodic pain syndrome, familial, 3. Identifiers: Orphanet 391384, Orphanet 391392, MedGen C3809899, MONDO:0014247, OMIM 615552.

Submission:

Labcorp Genetics (formerly Invitae), Labcorp
Classification: Uncertain significance for Familial episodic pain syndrome with predominantly lower limb involvement; Hereditary sensory and autonomic neuropathy type 7. Last evaluated: 2024-03-27. Review status: criteria provided, single submitter. Criteria: Invitae Variant Classification Sherloc (09022015). Collection method: clinical testing. Allele origin: germline.
Comment: This sequence change creates a premature translational stop signal (p.Gln939*) in the SCN11A gene. It is expected to result in an absent or disrupted protein product. However, the current clinical and genetic evidence is not sufficient to establish whether loss-of-function variants in SCN11A cause disease. This variant is not present in population databases (gnomAD no frequency). This variant has not been reported in the literature in individuals affected with SCN11A-related conditions. Algorithms developed to predict the effect of sequence changes on RNA splicing suggest that this variant may disrupt the consensus splice site. In summary, the available evidence is currently insufficient to determine the role of this variant in disease. Therefore, it has been classified as a Variant of Uncertain Significance.